The following is an entry in ClinVar:

ClinVar aggregate classification (germline): Likely pathogenic (1 of 4 stars; one submission).

Conditions:
Fanconi anemia (FA). Also called: Fanconi's anemia. Identifiers: Orphanet 84, MedGen C0015625, MeSH D005199, MONDO:0019391.

Submission:

Women's Health and Genetics/Laboratory Corporation of America, LabCorp
Classification: Likely pathogenic for Fanconi anemia. Last evaluated: 2023-03-29. Review status: criteria provided, single submitter. Criteria: LabCorp Variant Classification Summary - May 2015. Collection method: clinical testing. Allele origin: germline.
Comment: Variant summary: The variant identified by MLPA or other technology involves the deletion of exons 9-10 in the FANCA gene. A presumed nomenclature of c.(792+1_793-1)_(893+1_894-1)del has been designated for the purposes of this classification. Although exact breakpoints of this deletion are not known, it is expected to result in a frameshift in the FANCA gene, a known mechanism of disease. The variant was absent in 21694 control chromosomes in the gnomAD database (structural variants data set). Deletion of exons 9-10 has been reported in the literature in an individual affected with Fanconi Anemia (example: Li_2018). To our knowledge, no experimental evidence demonstrating an impact on protein function has been reported. One clinical diagnostic laboratory has submitted clinical-significance assessments for this variant to ClinVar after 2014 and classified the variant as pathogenic. Based on the evidence outlined above, the variant was classified as likely pathogenic.

Literature cited by the submitters: PubMed 30031030.

NC_000016.9:g.(89862427_89865573)_(89866047_89869666)del

Gene: FANCA (FA complementation group A; minus strand). Cytogenetic location: 16q24.3.
Variant type: Deletion.
Identifiers: ClinVar variation 2501036 (VCV002501036.1).